The following is an entry in ClinVar:

NM_005055.5(RAPSN):c.486_487delinsCTGTCTCTTATACACA (p.Glu162fs)

Gene: RAPSN (receptor associated protein of the synapse; minus strand). Cytogenetic location: 11p11.2.
Variant type: Indel.
Coding change: c.486_487delinsCTGTCTCTTATACACA on transcript NM_005055.5 (MANE Select); coding-DNA positions 486 to 487, GT replaced by CTGTCTCTTATACACA.
Protein change: p.Glu162fs; shifts the reading frame from glutamic acid 162.
Molecular consequence: frameshift variant. On other transcripts: intron variant (1).
Genome position (GRCh38, 1-based): chr11:47,447,856-47,447,857, AC replaced by TGTGTATAAGAGACAG on the plus strand (GT replaced by CTGTCTCTTATACACA on the coding strand, the reverse complement: RAPSN is on the minus strand). VCF-style: chr11-47447856-AC-TGTGTATAAGAGACAG. GRCh37 (hg19) VCF-style: chr11-47469408-AC-TGTGTATAAGAGACAG.
Other names: c.486_487delinsCTGTCTCTTATACACA, p.Glu162fs (NM_001440490.1, NM_001440491.1, NM_001440492.1 and 12 more transcripts); c.192+916_192+917delinsCTGTCTCTTATACACA (NM_001440504.1); short protein forms E162fs.
Identifiers: ClinVar variation 5011062 (VCV005011062.1).
Genomic context (GRCh38, chr11:47,447,856, plus strand): 5'-TGGGGTGCAGGCCCACCTTGACCTGGGCATAGAAGCTGCCCAGGCTGCAGCACACGCGGC[AC>TGTGTATAAGAGACAG]TCGAGCATGGCGTCATCATTGTTGTGGGCATAGCGCAGGGCCTTCTCGAAGCTCTCCAGG-3'

ClinVar aggregate classification (germline): Pathogenic (1 of 4 stars; one submission).

Conditions:
RAPSN-related disorder. Also called: RAPSN-related condition; RAPSN-related disorders. Identifiers: MedGen CN239397.

Submission:

Myriad Genetics, Inc.
Classification: Pathogenic for RAPSN-related disorder. Last evaluated: 2024-05-14. Review status: criteria provided, single submitter. Criteria: Myriad Autosomal Dominant, Autosomal Recessive and X-Linked Classification Criteria (2023). Collection method: clinical testing. Allele origin: unknown.
Comment: NM_005055.4(RAPSN):c.486_487del2ins16(E162Dfs*46) is expected to be pathogenic in the context of RAPSN-related disorders. This variant is predicted to lead to an abnormal or absent protein product due to the creation of a premature termination codon in RAPSN, a gene where loss-of-function variants are known to be pathogenic. Please note: this variant was assessed in the context of healthy population screening.